The following is an entry in ClinVar:

NM_015909.4(NBAS):c.2821C>T (p.Arg941Cys)

Gene: NBAS (NBAS subunit of NRZ tethering complex; minus strand). Cytogenetic location: 2p24.3.
Variant type: single nucleotide variant.
Coding change: c.2821C>T on transcript NM_015909.4 (MANE Select); coding-DNA position 2821, C replaced by T.
Protein change: p.Arg941Cys; replaces arginine 941 with cysteine.
Molecular consequence: missense variant. On other transcripts: non-coding transcript variant (1).
Genome position (GRCh38, 1-based): chr2:15,415,662, G>A on the plus strand (C>T on the coding strand, the complement: NBAS is on the minus strand). VCF-style: chr2-15415662-G-A. GRCh37 (hg19) VCF-style: chr2-15555786-G-A.
Other names: short protein forms R941C.
Identifiers: ClinVar variation 2200220 (VCV002200220.4), dbSNP rs374303460, ClinGen allele CA1536245.

ClinVar aggregate classification (germline): Uncertain significance (1 of 4 stars; one submission).

Allele frequency attached by ClinVar (database versions not stated): ESP Exome Variant Server 0.00008.
gnomAD v4.1: 8 of 1,613,992 alleles (0.0005%); highest among the groups gnomAD compares: South Asian, 0.0011%; no homozygotes.

Submission:

Labcorp Genetics (formerly Invitae), Labcorp
Classification: Uncertain significance. Last evaluated: 2022-06-12. Review status: criteria provided, single submitter. Criteria: Invitae Variant Classification Sherloc (09022015). Collection method: clinical testing. Allele origin: germline.
Comment: In summary, the available evidence is currently insufficient to determine the role of this variant in disease. Therefore, it has been classified as a Variant of Uncertain Significance. Algorithms developed to predict the effect of missense changes on protein structure and function (SIFT, PolyPhen-2, Align-GVGD) all suggest that this variant is likely to be disruptive. This variant has not been reported in the literature in individuals affected with NBAS-related conditions. This variant is present in population databases (rs374303460, gnomAD 0.003%). This sequence change replaces arginine, which is basic and polar, with cysteine, which is neutral and slightly polar, at codon 941 of the NBAS protein (p.Arg941Cys).